The following is an entry in ClinVar:

NM_201378.4(PLEC):c.52G>C (p.Val18Leu)

Gene: PLEC (plectin; minus strand). Cytogenetic location: 8q24.3.
Variant type: single nucleotide variant.
Coding change: c.52G>C on transcript NM_201378.4 (MANE Plus Clinical); coding-DNA position 52, G replaced by C.
Protein change: p.Val18Leu; replaces valine 18 with leucine.
Molecular consequence: missense variant. On other transcripts: intron variant (2).
Genome position (GRCh38, 1-based): chr8:143,973,421, C>G on the plus strand (G>C on the coding strand, the complement: PLEC is on the minus strand). VCF-style: chr8-143973421-C-G. GRCh37 (hg19) VCF-style: chr8-145047589-C-G.
Other names: c.193+1756G>C (NM_001410941.1, NM_000445.5); short protein forms V18L.
Identifiers: ClinVar variation 1142262 (VCV001142262.8), dbSNP rs1426734781, ClinGen allele CA372488057.
Genomic context (GRCh38, chr8:143,973,421, plus strand): 5'-TGTCAGGAGCGGCCCGACAGGCAGCGGGACGGGGGGCCGTACCTTTGTACTTCTCGCGCA[C>G]CTCCTCGTAGGCCTGGATGAAGTCCTGCTCGTCGGGCAGCGGGCCGGCCATGCCGGCGGG-3'
Protein context (NP_958780.1, residues 8-28): EQDFIQAYEE[Val18Leu]REKYKDERDR

ClinVar aggregate classification (germline): Uncertain significance (1 of 4 stars; one submission).

Conditions:
Epidermolysis bullosa simplex with nail dystrophy (EBS5D). Identifiers: MedGen C4225309, MONDO:0014661, OMIM 616487.
Autosomal recessive limb-girdle muscular dystrophy type 2Q (LGMDR17). Also called: MUSCULAR DYSTROPHY, LIMB-GIRDLE, AUTOSOMAL RECESSIVE 17. Identifiers: Orphanet 254361, MedGen C3150989, MONDO:0013390, OMIM 613723.
Epidermolysis bullosa simplex, Ogna type (EBS5A). Also called: Pidermolysis bullosa simplex 5A, Ogna type; EPIDERMOLYSIS BULLOSA SIMPLEX 5A, OGNA TYPE. Identifiers: Orphanet 79401, MedGen C0432317, MONDO:0007555, OMIM 131950.
Epidermolysis bullosa simplex 5B, with muscular dystrophy (EBS5B). Also called: Epidermolysis bullosa simplex with muscular dystrophy; EPIDERMOLYSIS BULLOSA SIMPLEX AND LIMB-GIRDLE MUSCULAR DYSTROPHY. Identifiers: Orphanet 257, MedGen C2931072, MONDO:0009181, OMIM 226670.
Epidermolysis bullosa simplex 5C, with pyloric atresia (EBS5C). Also called: PLEC-Related Epidermolysis Bullosa with Pyloric Atresia; Epidermolysis bullosa simplex with pyloric atresia; PLEC1-Related Epidermolysis Bullosa with Pyloric Atresia. Identifiers: Orphanet 158684, MedGen C2677349, MONDO:0012807, OMIM 612138.

Allele frequency attached by ClinVar (database versions not stated): TOPMed 0.00002; gnomAD 0.00003 and 0.00004; gnomAD exomes 0.00002.

Submission:

Labcorp Genetics (formerly Invitae), Labcorp
Classification: Uncertain significance for Autosomal recessive limb-girdle muscular dystrophy type 2Q; Epidermolysis bullosa simplex, Ogna type; Epidermolysis bullosa simplex with nail dystrophy; Epidermolysis bullosa simplex 5C, with pyloric atresia; Epidermolysis bullosa simplex 5B, with muscular dystrophy. Last evaluated: 2025-10-29. Review status: criteria provided, single submitter. Criteria: Invitae Variant Classification Sherloc (09022015). Collection method: clinical testing. Allele origin: germline.
Comment: The PLEC gene has multiple clinically relevant transcripts. This variant occurs in alternate transcript NM_201378.3:c.52G>C, and corresponds to NM_000445.4:c.193+1756G>C in the primary transcript. This sequence change replaces valine, which is neutral and non-polar, with leucine, which is neutral and non-polar, at codon 18 of the PLEC protein (p.Val18Leu). This variant is present in population databases (no rsID available, gnomAD 0.007%). This variant has not been reported in the literature in individuals affected with PLEC-related conditions. ClinVar contains an entry for this variant (Variation ID: 1142262). Experimental studies and prediction algorithms are not available or were not evaluated, and the functional significance of this variant is currently unknown. Algorithms developed to predict the effect of sequence changes on RNA splicing suggest that this variant is not likely to affect RNA splicing. In summary, the available evidence is currently insufficient to determine the role of this variant in disease. Therefore, it has been classified as a Variant of Uncertain Significance.